The following is an entry in ClinVar:

ClinVar aggregate classification (germline): Benign. Review status: criteria provided, multiple submitters, no conflicts (2 of 4 stars). 3 submissions from 3 submitters: Benign (3). Last evaluated 2018-06-16.

Conditions:
Autosomal dominant nonsyndromic hearing loss 25. Identifiers: Orphanet 90635, MedGen C1854158, MONDO:0011568, OMIM 605583.

Allele frequency attached by ClinVar (database versions not stated): 1000 Genomes Project 0.04014; 1000 Genomes Project 30x 0.04060; TOPMed 0.04649; gnomAD 0.05167 and 0.05252; gnomAD exomes 0.07505.
gnomAD v4.1: 93,098 of 1,289,324 alleles (7.2%); highest among the groups gnomAD compares: South Asian, 9.7%; 3,919 homozygotes.

Submissions (3):

GeneDx
Classification: Benign. Last evaluated: 2018-06-16. Review status: criteria provided, single submitter. Criteria: GeneDx Variant Classification Process June 2021. Collection method: clinical testing. Allele origin: germline. Affected: yes.

Illumina Laboratory Services, Illumina
Classification: Benign for Autosomal dominant nonsyndromic hearing loss 25. Last evaluated: 2018-01-13. Review status: criteria provided, single submitter. Criteria: ICSL Variant Classification Criteria 13 December 2019. Collection method: clinical testing. Allele origin: germline.
Comment: This variant was observed in the ICSL laboratory as part of a predisposition screen in an ostensibly healthy population. It had not been previously curated by ICSL or reported in the Human Gene Mutation Database (HGMD: prior to June 1st, 2018), and was therefore a candidate for classification through an automated scoring system. Utilizing variant allele frequency, disease prevalence and penetrance estimates, and inheritance mode, an automated score was calculated to assess if this variant is too frequent to cause the disease. Based on the score and internal cut-off values, a variant classified as benign is not then subjected to further curation. The score for this variant resulted in a classification of benign for this disease.

Breakthrough Genomics
Classification: Benign. Review status: criteria provided, single submitter. Criteria: ACMG Guidelines, 2015. Collection method: not provided. Allele origin: germline. Inheritance: Autosomal dominant inheritance. Affected: yes.

NM_139319.3(SLC17A8):c.*71T>C

Gene: SLC17A8 (solute carrier family 17 member 8; plus strand). Cytogenetic location: 12q23.1.
Variant type: single nucleotide variant.
Coding change: c.*71T>C on transcript NM_139319.3 (MANE Select); 71 bases downstream of the stop codon, T replaced by C.
Molecular consequence: 3 prime UTR variant.
Genome position (GRCh38, 1-based): chr12:100,420,230, T>C. VCF-style: chr12-100420230-T-C. GRCh37 (hg19) VCF-style: chr12-100814008-T-C.
Other names: c.*71T>C (NM_001145288.2).
Identifiers: ClinVar variation 306638 (VCV000306638.8), dbSNP rs75599713, ClinGen allele CA10631847.